The following is an entry in ClinVar:

ClinVar aggregate classification (germline): Uncertain significance (1 of 4 stars; one submission).

Conditions:
Charcot-Marie-Tooth disease type 2. Also called: Charcot-Marie-Tooth type 2. Identifiers: Orphanet 64746, MedGen C0270914, MONDO:0018993.

Submission:

Labcorp Genetics (formerly Invitae), Labcorp
Classification: Uncertain significance for Charcot-Marie-Tooth disease type 2. Last evaluated: 2022-07-03. Review status: criteria provided, single submitter. Criteria: Invitae Variant Classification Sherloc (09022015). Collection method: clinical testing. Allele origin: germline.
Comment: In summary, the available evidence is currently insufficient to determine the role of this variant in disease. Therefore, it has been classified as a Variant of Uncertain Significance. Algorithms developed to predict the effect of missense changes on protein structure and function (SIFT, PolyPhen-2, Align-GVGD) all suggest that this variant is likely to be disruptive. This variant has not been reported in the literature in individuals affected with KIF1B-related conditions. This variant is not present in population databases (gnomAD no frequency). This sequence change replaces lysine, which is basic and polar, with threonine, which is neutral and polar, at codon 346 of the KIF1B protein (p.Lys346Thr).

NM_001365951.3(KIF1B):c.1055A>C (p.Lys352Thr)

Gene: KIF1B (kinesin family member 1B; plus strand). Cytogenetic location: 1p36.22.
Variant type: single nucleotide variant.
Coding change: c.1055A>C on transcript NM_001365951.3 (MANE Select); coding-DNA position 1055, A replaced by C.
Protein change: p.Lys352Thr; replaces lysine 352 with threonine.
Molecular consequence: missense variant.
Genome position (GRCh38, 1-based): chr1:10,278,003, A>C. VCF-style: chr1-10278003-A-C. GRCh37 (hg19) VCF-style: chr1-10338061-A-C.
Other names: c.1055A>C, p.Lys352Thr (NM_001365952.1); c.1037A>C, p.Lys346Thr (NM_001365953.1, NM_015074.3, NM_183416.4); short protein forms K346T, K352T.
Identifiers: ClinVar variation 2013392 (VCV002013392.4), dbSNP rs2521196336, ClinGen allele CA338333934.